The following is an entry in ClinVar:

NM_001287491.2(TET3):c.1690A>T (p.Ser564Cys)

Gene: TET3 (tet methylcytosine dioxygenase 3; plus strand). Cytogenetic location: 2p13.1.
Variant type: single nucleotide variant.
Coding change: c.1690A>T on transcript NM_001287491.2 (MANE Select); coding-DNA position 1690, A replaced by T.
Protein change: p.Ser564Cys; replaces serine 564 with cysteine.
Molecular consequence: missense variant.
Genome position (GRCh38, 1-based): chr2:74,047,607, A>T. VCF-style: chr2-74047607-A-T. GRCh37 (hg19) VCF-style: chr2-74274734-A-T.
Other names: c.1411A>T, p.Ser471Cys (NM_001366022.1); short protein forms S471C, S564C.
Identifiers: ClinVar variation 1314327 (VCV001314327.2), dbSNP rs751119029, ClinGen allele CA1718653.

ClinVar aggregate classification (germline): Uncertain significance (1 of 4 stars; one submission).

Allele frequency attached by ClinVar (database versions not stated): ExAC 0.00001; gnomAD exomes 0.00001.
gnomAD v4.1: 19 of 1,613,836 alleles (0.0012%); highest among the groups gnomAD compares: Non-Finnish European, 0.0015%; no homozygotes.

Submission:

GeneDx
Classification: Uncertain significance. Last evaluated: 2021-04-01. Review status: criteria provided, single submitter. Criteria: GeneDx Variant Classification Process June 2021. Collection method: clinical testing. Allele origin: germline. Affected: yes.
Comment: In silico analysis supports that this missense variant does not alter protein structure/function; Has not been previously published as pathogenic or benign to our knowledge